The following is an entry in ClinVar:

ClinVar aggregate classification (germline): Uncertain significance. Review status: criteria provided, multiple submitters, no conflicts (2 of 4 stars). 2 submissions from 2 submitters: Uncertain significance (2). Last evaluated 2026-02-22.

Conditions:
Ehlers-Danlos syndrome, type 4 (EDSVASC). Also called: Ehlers-Danlos syndrome vascular type; Ehlers Danlos syndrome, ecchymotic type; Ehlers Danlos syndrome, arterial type; Ehlers Danlos syndrome, Sack-Barabas type; Ehlers-Danlos Syndrome Type IV. Identifiers: Orphanet 286, MedGen C0268338, MONDO:0017314, OMIM 130050.

gnomAD v4.1: 6 of 1,612,486 alleles (0.00037%); highest among the groups gnomAD compares: African/African-American, 0.004%; no homozygotes.

Submissions (2):

GeneDx
Classification: Uncertain significance. Last evaluated: 2026-02-22. Review status: criteria provided, single submitter. Criteria: GeneDx Variant Classification Process June 2021. Collection method: clinical testing. Allele origin: germline.
Comment: Not observed at significant frequency in large population cohorts (gnomAD); In silico analysis suggests that this missense variant does not alter protein structure/function; Occurs in the triple helical domain at the Y position in the canonical Gly-X-Y repeat; although this variant may have an effect on normal protein folding and function, missense substitution at the Y position is not a common mechanism of disease (HGMD); Has not been previously published as pathogenic or benign to our knowledge

All of Us Research Program, National Institutes of Health
Classification: Uncertain significance for Ehlers-Danlos syndrome, type 4. Last evaluated: 2024-08-06. Review status: criteria provided, single submitter. Criteria: ACMG Guidelines, 2015. Collection method: clinical testing. Allele origin: germline. Inheritance: Autosomal dominant inheritance. Observed: 1 variant allele, 1 heterozygote.
Comment: This study involves interpretation of variants in research participants for the purpose of population health screening. Participant phenotype was not available at the time of variant classification. Additional details can be found in publication PMID: 35346344, PMCID: PMC8962531

NM_000090.4(COL3A1):c.2687G>A (p.Ser896Asn)

Gene: COL3A1 (collagen type III alpha 1 chain; plus strand). Cytogenetic location: 2q32.2.
Variant type: single nucleotide variant.
Coding change: c.2687G>A on transcript NM_000090.4 (MANE Select); coding-DNA position 2687, G replaced by A.
Protein change: p.Ser896Asn; replaces serine 896 with asparagine.
Molecular consequence: missense variant.
Genome position (GRCh38, 1-based): chr2:189,004,007, G>A. VCF-style: chr2-189004007-G-A. GRCh37 (hg19) VCF-style: chr2-189868733-G-A.
Other names: short protein forms S896N.
Identifiers: ClinVar variation 3386472 (VCV003386472.2).